The following is an entry in ClinVar:

ClinVar aggregate classification (germline): Uncertain significance (1 of 4 stars; one submission).

Submission:

Ambry Genetics
Classification: Uncertain significance. Last evaluated: 2026-07-04. Review status: criteria provided, single submitter. Criteria: Ambry Variant Classification Scheme 2023. Collection method: clinical testing. Allele origin: germline.
Comment: The p.I258S variant (also known as c.773T>G), located in coding exon 3 of the GFI1 gene, results from a T to G substitution at nucleotide position 773. The isoleucine at codon 258 is replaced by serine, an amino acid with dissimilar properties. This amino acid position is conserved. In addition, this alteration is predicted to be tolerated by in silico analysis. Based on the available evidence, the clinical significance of this variant remains unclear.

NM_005263.5(GFI1):c.773T>G (p.Ile258Ser)

Gene: GFI1 (growth factor independent 1 transcriptional repressor; minus strand). Cytogenetic location: 1p22.1.
Variant type: single nucleotide variant.
Coding change: c.773T>G on transcript NM_005263.5 (MANE Select); coding-DNA position 773, T replaced by G.
Protein change: p.Ile258Ser; replaces isoleucine 258 with serine.
Molecular consequence: missense variant.
Genome position (GRCh38, 1-based): chr1:92,480,614, A>C on the plus strand (T>G on the coding strand, the complement: GFI1 is on the minus strand). VCF-style: chr1-92480614-A-C. GRCh37 (hg19) VCF-style: chr1-92946171-A-C.
Other names: c.773T>G, p.Ile258Ser (NM_001127215.3, NM_001127216.3); short protein forms I258S.
Identifiers: ClinVar variation 5022369 (VCV005022369.1).